The following is an entry in ClinVar:

NM_017950.4(CCDC40):c.340T>C (p.Tyr114His)

Gene: CCDC40 (coiled-coil domain 40 molecular ruler complex subunit; plus strand). Cytogenetic location: 17q25.3.
Variant type: single nucleotide variant.
Coding change: c.340T>C on transcript NM_017950.4 (MANE Select); coding-DNA position 340, T replaced by C.
Protein change: p.Tyr114His; replaces tyrosine 114 with histidine.
Molecular consequence: missense variant.
Genome position (GRCh38, 1-based): chr17:80,040,058, T>C. VCF-style: chr17-80040058-T-C. GRCh37 (hg19) VCF-style: chr17-78013857-T-C.
Other names: c.340T>C, p.Tyr114His (NM_001243342.2, NM_001330508.2); short protein forms Y114H.
Identifiers: ClinVar variation 5033800 (VCV005033800.1).

ClinVar aggregate classification (germline): Uncertain significance (1 of 4 stars; one submission).

Conditions:
Primary ciliary dyskinesia. Also called: Ciliary dyskinesia. Identifiers: Orphanet 244, MedGen C0008780, MONDO:0016575, HP:0012265.

Submission:

Ambry Genetics
Classification: Uncertain significance for Primary ciliary dyskinesia. Last evaluated: 2026-08-24. Review status: criteria provided, single submitter. Criteria: Ambry Variant Classification Scheme 2023. Collection method: clinical testing. Allele origin: germline.
Comment: The p.Y114H variant (also known as c.340T>C), located in coding exon 3 of the CCDC40 gene, results from a T to C substitution at nucleotide position 340. The tyrosine at codon 114 is replaced by histidine, an amino acid with similar properties. This amino acid position is conserved. In addition, this alteration is predicted to be tolerated by in silico analysis. Based on the available evidence, the clinical significance of this variant remains unclear.